The following is an entry in ClinVar:

ClinVar aggregate classification (germline): Uncertain significance. Review status: criteria provided, multiple submitters, no conflicts (2 of 4 stars). 3 submissions from 3 submitters: Uncertain significance (3). Last evaluated 2025-03-22.

Conditions:
Inborn genetic diseases. Identifiers: MedGen C0950123, MeSH D030342.
Acute myeloid leukemia (AML). Also called: Leukemia, acute myeloid, somatic; Leukemia, acute myelogenous, somatic; Acute myeloid leukemia, adult; AML adult; Acute non-lymphocytic leukemia; Acute granulocytic leukemia. Identifiers: Orphanet 519, MedGen C0023467, MeSH D015470, MONDO:0018874, OMIM 601626, HP:0004808. Disease mechanism: Constitutively activated FLT3.

Allele frequency attached by ClinVar (database versions not stated): gnomAD exomes below 0.00001.

Submissions (3):

Ambry Genetics
Classification: Uncertain significance for Inborn genetic diseases. Last evaluated: 2025-03-22. Review status: criteria provided, single submitter. Criteria: Ambry Variant Classification Scheme 2023. Collection method: clinical testing. Allele origin: germline.
Comment: The p.V95G variant (also known as c.284T>G), located in coding exon 1 of the CEBPA gene, results from a T to G substitution at nucleotide position 284. The valine at codon 95 is replaced by glycine, an amino acid with dissimilar properties. This amino acid position is conserved. In addition, this alteration is predicted to be tolerated by in silico analysis. Based on the available evidence, the clinical significance of this variant remains unclear.

Baylor Genetics
Classification: Uncertain significance for Acute myeloid leukemia. Last evaluated: 2024-03-11. Review status: criteria provided, single submitter. Criteria: ACMG Guidelines, 2015. Collection method: clinical testing. Allele origin: unknown.

Labcorp Genetics (formerly Invitae), Labcorp
Classification: Uncertain significance for Acute myeloid leukemia. Last evaluated: 2022-02-20. Review status: criteria provided, single submitter. Criteria: Invitae Variant Classification Sherloc (09022015). Collection method: clinical testing. Allele origin: germline.
Comment: In summary, the available evidence is currently insufficient to determine the role of this variant in disease. Therefore, it has been classified as a Variant of Uncertain Significance. Algorithms developed to predict the effect of missense changes on protein structure and function (SIFT, PolyPhen-2, Align-GVGD) all suggest that this variant is likely to be tolerated. This variant has not been reported in the literature in individuals affected with CEBPA-related conditions. This variant is not present in population databases (gnomAD no frequency). This sequence change replaces valine, which is neutral and non-polar, with glycine, which is neutral and non-polar, at codon 95 of the CEBPA protein (p.Val95Gly).

NM_004364.5(CEBPA):c.284T>G (p.Val95Gly)

Gene: CEBPA (CCAAT enhancer binding protein alpha; minus strand). Cytogenetic location: 19q13.11.
Variant type: single nucleotide variant.
Coding change: c.284T>G on transcript NM_004364.5 (MANE Select); coding-DNA position 284, T replaced by G.
Protein change: p.Val95Gly; replaces valine 95 with glycine.
Molecular consequence: missense variant. On other transcripts: 5 prime UTR variant (1).
Genome position (GRCh38, 1-based): chr19:33,302,131, A>C on the plus strand (T>G on the coding strand, the complement: CEBPA is on the minus strand). VCF-style: chr19-33302131-A-C. GRCh37 (hg19) VCF-style: chr19-33793037-A-C.
Other names: c.-74T>G (NM_001285829.2); c.389T>G, p.Val130Gly (NM_001287424.2); c.242T>G, p.Val81Gly (NM_001287435.2); c.284T>G (NM_004364.3); short protein forms V130G, V95G, V81G.
Identifiers: ClinVar variation 1444620 (VCV001444620.10), dbSNP rs2145263298, ClinGen allele CA405275270.
Genomic context (GRCh38, chr19:33,302,131, plus strand): 5'-GGGCCCGCGGGCGCGCCCGGGTAGTCAAAGTCGCCGCCGCCGCCGCCGCCCGTGGGGCCC[A>C]CGGCCGCCTTGGCCTTCTCCTGCTGCCGGCTGTGCTGGAACAGGTCGGCCAGGAACTCGT-3'
Protein context (NP_004355.2, residues 85-105): SRQQEKAKAA[Val95Gly]GPTGGGGGGD